The following is an entry in ClinVar:

NM_020937.4(FANCM):c.1655T>C (p.Ile552Thr)

Gene: FANCM (FA complementation group M; plus strand). Cytogenetic location: 14q21.2.
Variant type: single nucleotide variant.
Coding change: c.1655T>C on transcript NM_020937.4 (MANE Select); coding-DNA position 1655, T replaced by C.
Protein change: p.Ile552Thr; replaces isoleucine 552 with threonine.
Molecular consequence: missense variant.
Genome position (GRCh38, 1-based): chr14:45,164,432, T>C. VCF-style: chr14-45164432-T-C. GRCh37 (hg19) VCF-style: chr14-45633635-T-C.
Other names: c.1577T>C, p.Ile526Thr (NM_001308133.2); c.1655T>C, p.Ile552Thr (NM_001308134.2); short protein forms I552T, I526T.
Identifiers: ClinVar variation 807110 (VCV000807110.49), dbSNP rs200240871, ClinGen allele CA7169121.

ClinVar aggregate classification (germline): Uncertain significance. Review status: criteria provided, multiple submitters, no conflicts (2 of 4 stars). 2 submissions from 2 submitters: Uncertain significance (2). Last evaluated 2024-03-04.

Conditions:
Fanconi anemia (FA). Also called: Fanconi's anemia. Identifiers: Orphanet 84, MedGen C0015625, MeSH D005199, MONDO:0019391.

Allele frequency attached by ClinVar (database versions not stated): gnomAD exomes below 0.00001 and 0.00001; ExAC 0.00001; gnomAD 0.00001; TOPMed 0.00001; 1000 Genomes Project 30x 0.00016; 1000 Genomes Project 0.00020.
gnomAD v4.1: 2 of 1,613,590 alleles (0.00012%); highest among the groups gnomAD compares: East Asian, 0.0045%; no homozygotes.

Submissions (2):

Labcorp Genetics (formerly Invitae), Labcorp
Classification: Uncertain significance for Fanconi anemia. Last evaluated: 2024-03-04. Review status: criteria provided, single submitter. Criteria: Invitae Variant Classification Sherloc (09022015). Collection method: clinical testing. Allele origin: germline.
Comment: This sequence change replaces isoleucine, which is neutral and non-polar, with threonine, which is neutral and polar, at codon 552 of the FANCM protein (p.Ile552Thr). This variant is present in population databases (rs200240871, gnomAD 0.006%). This variant has not been reported in the literature in individuals affected with FANCM-related conditions. ClinVar contains an entry for this variant (Variation ID: 807110). An algorithm developed to predict the effect of missense changes on protein structure and function (PolyPhen-2) suggests that this variant is likely to be disruptive. In summary, the available evidence is currently insufficient to determine the role of this variant in disease. Therefore, it has been classified as a Variant of Uncertain Significance.

CeGaT Center for Human Genetics Tuebingen
Classification: Uncertain significance. Last evaluated: 2018-09-01. Review status: criteria provided, single submitter. Criteria: CeGaT Center For Human Genetics Tuebingen Variant Classification Criteria Version 2. Collection method: clinical testing. Allele origin: germline. Affected: yes. Observed: 1 variant allele.